The following is an entry in ClinVar:

ClinVar aggregate classification (germline): Uncertain significance. Review status: criteria provided, multiple submitters, no conflicts (2 of 4 stars). 2 submissions from 2 submitters: Uncertain significance (2). Last evaluated 2023-10-01.

Conditions:
Retinal dystrophy. Also called: Inherited retinal dystrophy. Identifiers: Orphanet 71862, MedGen C0854723, MeSH D058499, MONDO:0019118, HP:0000556.

Allele frequency attached by ClinVar (database versions not stated): gnomAD 0.00001; ExAC 0.00003; gnomAD exomes 0.00003.
gnomAD v4.1: 44 of 1,613,972 alleles (0.0027%); highest among the groups gnomAD compares: East Asian, 0.096%; 1 homozygote.

Submissions (2):

Dept Of Ophthalmology, Nagoya University
Classification: Uncertain significance for Retinal dystrophy. Last evaluated: 2023-10-01. Review status: criteria provided, single submitter. Criteria: Submitter's publication. Collection method: research. Allele origin: germline. Affected: yes.

Labcorp Genetics (formerly Invitae), Labcorp
Classification: Uncertain significance. Last evaluated: 2022-02-20. Review status: criteria provided, single submitter. Criteria: Invitae Variant Classification Sherloc (09022015). Collection method: clinical testing. Allele origin: germline.
Comment: This sequence change replaces isoleucine, which is neutral and non-polar, with valine, which is neutral and non-polar, at codon 189 of the MAK protein (p.Ile189Val). This variant is present in population databases (rs56215624, gnomAD 0.05%). This variant has not been reported in the literature in individuals affected with MAK-related conditions. Experimental studies and prediction algorithms are not available or were not evaluated, and the functional significance of this variant is currently unknown. In summary, the available evidence is currently insufficient to determine the role of this variant in disease. Therefore, it has been classified as a Variant of Uncertain Significance.

NM_001242957.3(MAK):c.565A>G (p.Ile189Val)

Gene: MAK (male germ cell associated kinase; minus strand). Cytogenetic location: 6p24.2.
Variant type: single nucleotide variant.
Coding change: c.565A>G on transcript NM_001242957.3 (MANE Select); coding-DNA position 565, A replaced by G.
Protein change: p.Ile189Val; replaces isoleucine 189 with valine.
Molecular consequence: missense variant. On other transcripts: non-coding transcript variant (2).
Genome position (GRCh38, 1-based): chr6:10,803,818, T>C on the plus strand (A>G on the coding strand, the complement: MAK is on the minus strand). VCF-style: chr6-10803818-T-C. GRCh37 (hg19) VCF-style: chr6-10804051-T-C.
Other names: c.565A>G, p.Ile189Val (NM_001242385.2, NM_005906.6); c.463A>G, p.Ile155Val (NM_001377262.1); short protein forms I189V, I155V.
Identifiers: ClinVar variation 2054271 (VCV002054271.2), dbSNP rs56215624, ClinGen allele CA3633674.